The following is an entry in ClinVar:

NM_017780.4(CHD7):c.4136A>C (p.Asp1379Ala)

Gene: CHD7 (chromodomain helicase DNA binding protein 7; plus strand). Cytogenetic location: 8q12.2.
Variant type: single nucleotide variant.
Coding change: c.4136A>C on transcript NM_017780.4 (MANE Select); coding-DNA position 4136, A replaced by C.
Protein change: p.Asp1379Ala; replaces aspartic acid 1379 with alanine.
Molecular consequence: missense variant. On other transcripts: intron variant (1).
Genome position (GRCh38, 1-based): chr8:60,836,963, A>C. VCF-style: chr8-60836963-A-C. GRCh37 (hg19) VCF-style: chr8-61749522-A-C.
Other names: c.1717-25266A>C (NM_001316690.1); c.4136A>C (LRG_176t1); short protein forms D1379A.
Identifiers: ClinVar variation 426119 (VCV000426119.4), dbSNP rs1085307453, ClinGen allele CA371316918.

ClinVar aggregate classification (germline): Uncertain significance (1 of 4 stars; one submission).

Submission:

GeneDx
Classification: Uncertain significance. Last evaluated: 2020-10-27. Review status: criteria provided, single submitter. Criteria: GeneDx Variant Classification Process June 2021. Collection method: clinical testing. Allele origin: germline. Affected: yes.
Comment: Not observed in large population cohorts (Lek et al., 2016); In silico analysis supports that this missense variant has a deleterious effect on protein structure/function; Has not been previously published as pathogenic or benign to our knowledge